The following is an entry in ClinVar:

NM_017780.4(CHD7):c.2219A>G (p.Asp740Gly)

Gene: CHD7 (chromodomain helicase DNA binding protein 7; plus strand). Cytogenetic location: 8q12.2.
Variant type: single nucleotide variant.
Coding change: c.2219A>G on transcript NM_017780.4 (MANE Select); coding-DNA position 2219, A replaced by G.
Protein change: p.Asp740Gly; replaces aspartic acid 740 with glycine.
Molecular consequence: missense variant. On other transcripts: intron variant (1).
Genome position (GRCh38, 1-based): chr8:60,795,108, A>G. VCF-style: chr8-60795108-A-G. GRCh37 (hg19) VCF-style: chr8-61707667-A-G.
Other names: c.1716+14058A>G (NM_001316690.1); short protein forms D740G.
Identifiers: ClinVar variation 1064853 (VCV001064853.5), dbSNP rs761748737, ClinGen allele CA371296669.

ClinVar aggregate classification (germline): Conflicting classifications of pathogenicity. Review status: criteria provided, conflicting classifications (1 of 4 stars). 3 submissions from 3 submitters: Pathogenic (1); Uncertain significance (1). 1 of the submissions does not count toward it. Last evaluated 2025-08-22.

Conditions:
Inborn genetic diseases. Identifiers: MedGen C0950123, MeSH D030342.
CHD7-related disorder. Also called: CHD7-related condition.
Neurodevelopmental disorder. Identifiers: MedGen C1535926, MeSH D065886, MONDO:0700092.

gnomAD v4.1: 1 of 1,613,600 alleles (0.000062%); highest among the groups gnomAD compares: Middle Eastern, 0.017%; no homozygotes.

Submissions (3):

Ambry Genetics
Classification: Pathogenic for Inborn genetic diseases. Last evaluated: 2025-08-22. Review status: criteria provided, single submitter. Criteria: Ambry Variant Classification Scheme 2023. Collection method: clinical testing. Allele origin: germline.
Comment: The c.2219A>G (p.D740G) alteration is located in exon 4 (coding exon 3) of the CHD7 gene. This alteration results from an A to G substitution at nucleotide position 2219, causing the aspartic acid (D) at amino acid position 740 to be replaced by a glycine (G). This variant was not reported in population-based cohorts in the Genome Aggregation Database (gnomAD). This variant was reported in multiple individuals with features consistent with CHARGE syndrome; in at least one individual, it was determined to be de novo (Bilan, 2012; Sun, 2021; Ambry internal data). This nucleotide position is highly conserved in available vertebrate species. This amino acid position is not well conserved in available vertebrate species. The in silico prediction for this alteration is inconclusive. In silico splice site analysis predicts that this alteration may weaken the native splice donor site and will result in the creation or strengthening of a novel splice donor site. Based on the available evidence, this alteration is classified as pathogenic.

Laboratory of Molecular Genetics (Pr. Bezieau's lab), CHU de Nantes
Classification: Uncertain significance for Neurodevelopmental disorder. Last evaluated: 2021-04-07. Review status: criteria provided, single submitter. Criteria: ACMG Guidelines, 2015. Collection method: clinical testing. Allele origin: germline. Affected: yes.

PreventionGenetics, part of Exact Sciences
Classification: Likely pathogenic for CHD7-related condition. Last evaluated: 2024-05-01. Review status: no assertion criteria provided. Collection method: clinical testing. Allele origin: germline. Not counted in ClinVar's aggregate classification.
Comment: The CHD7 c.2219A>G variant is predicted to result in the amino acid substitution p.Asp740Gly. This variant was reported in a patient with congenital hypogonadotropic hypogonadism and as de novo in an individual with CHARGE syndrome (Bilan et al 2012. PubMed ID: 22033296; Sun B et al 2022. PubMed ID: 35047002). This variant has not been reported in a large population database, indicating this variant is rare. This variant is interpreted as likely pathogenic.

Literature cited by the submitters: PubMed 22033296 (cited by Ambry Genetics); PubMed 35047002 (cited by Ambry Genetics).